The following is an entry in ClinVar:

ClinVar aggregate classification (germline): Uncertain significance (1 of 4 stars; one submission).

Conditions:
Hereditary cancer-predisposing syndrome. Also called: Neoplastic Syndromes, Hereditary; Tumor predisposition; Hereditary Cancer Syndrome; Hereditary neoplastic syndrome. Identifiers: Orphanet 140162, MedGen C0027672, MeSH D009386, MONDO:0015356.

Allele frequency attached by ClinVar (database versions not stated): ExAC 0.00001; gnomAD 0.00001; gnomAD exomes 0.00001; 1000 Genomes Project 30x 0.00016; 1000 Genomes Project 0.00020.
gnomAD v4.1: 5 of 1,613,930 alleles (0.00031%); highest among the groups gnomAD compares: East Asian, 0.0067%; no homozygotes.

Submission:

Ambry Genetics
Classification: Uncertain significance for Hereditary cancer-predisposing syndrome. Last evaluated: 2025-09-27. Review status: criteria provided, single submitter. Criteria: Ambry Variant Classification Scheme 2023. Collection method: clinical testing. Allele origin: germline.
Comment: The p.V526D variant (also known as c.1577T>A), located in coding exon 8 of the ALK gene, results from a T to A substitution at nucleotide position 1577. The valine at codon 526 is replaced by aspartic acid, an amino acid with highly dissimilar properties. This amino acid position is conserved. In addition, this alteration is predicted to be tolerated by in silico analysis. Since supporting evidence is limited at this time, the clinical significance of this alteration remains unclear.

NM_004304.5(ALK):c.1577T>A (p.Val526Asp)

Gene: ALK (ALK receptor tyrosine kinase; minus strand). Cytogenetic location: 2p23.2.
Variant type: single nucleotide variant.
Coding change: c.1577T>A on transcript NM_004304.5 (MANE Select); coding-DNA position 1577, T replaced by A.
Protein change: p.Val526Asp; replaces valine 526 with aspartic acid.
Molecular consequence: missense variant.
Genome position (GRCh38, 1-based): chr2:29,318,374, A>T on the plus strand (T>A on the coding strand, the complement: ALK is on the minus strand). VCF-style: chr2-29318374-A-T. GRCh37 (hg19) VCF-style: chr2-29541240-A-T.
Other names: short protein forms V526D.
Identifiers: ClinVar variation 1775617 (VCV001775617.3), dbSNP rs202106175, ClinGen allele CA1594603.
Genomic context (GRCh38, chr2:29,318,374, plus strand): 5'-GAGCTCTTGATCGGTGCAGGAAACGTAGCACTGGTCACTGTAGCACTTTCAGAAGCGGGG[A>T]CATCAGTGGTACTGAGCAATAGAGCATGGTCTAGGAGAGAGGAAAAGAATCACAAGCACG-3'
Protein context (NP_004295.2, residues 516-536): DHALLLSTTD[Val526Asp]PASESATVTS